The following is an entry in ClinVar:

ClinVar aggregate classification (germline): Likely benign (1 of 4 stars; one submission).

gnomAD v4.1: 1 of 1,567,468 alleles (0.000064%); highest among the groups gnomAD compares: Non-Finnish European, 0.000088%; no homozygotes.

Submission:

CeGaT Center for Human Genetics Tuebingen
Classification: Likely benign. Last evaluated: 2024-04-01. Review status: criteria provided, single submitter. Criteria: CeGaT Center For Human Genetics Tuebingen Variant Classification Criteria Version 2. Collection method: clinical testing. Allele origin: germline. Affected: yes. Observed: 1 variant allele.
Comment: PIGK: PM2:Supporting, BP4, BP7

NM_005482.3(PIGK):c.618C>T (p.Cys206=)

Gene: PIGK (phosphatidylinositol glycan anchor biosynthesis class K; minus strand). Cytogenetic location: 1p31.1.
Variant type: single nucleotide variant.
Coding change: c.618C>T on transcript NM_005482.3 (MANE Select); coding-DNA position 618, C replaced by T.
Protein change: p.Cys206=; no amino-acid change (cysteine 206 retained).
Molecular consequence: synonymous variant.
Genome position (GRCh38, 1-based): chr1:77,161,678, G>A on the plus strand (C>T on the coding strand, the complement: PIGK is on the minus strand). VCF-style: chr1-77161678-G-A. GRCh37 (hg19) VCF-style: chr1-77627363-G-A.
Identifiers: ClinVar variation 3234761 (VCV003234761.20), dbSNP rs2523920341, ClinGen allele CA418596907.